The following is an entry in ClinVar:

ClinVar aggregate classification (germline): Benign. Review status: criteria provided, multiple submitters, no conflicts (2 of 4 stars). 6 submissions from 5 submitters: Benign (4). 2 of the submissions do not count toward it. Last evaluated 2026-02-01.

Conditions:
Nephronophthisis. Also called: Juvenile Nephronophthisis. Identifiers: Orphanet 655, MedGen C0687120, MONDO:0019005, HP:0000090.
Nephronophthisis 4 (NPHP4). Also called: NEPHRONOPHTHISIS 4, JUVENILE. Identifiers: Orphanet 655, MedGen C1847013, MONDO:0011752, OMIM 606966.
Senior-Loken syndrome 4 (SLSN4). Identifiers: Orphanet 3156, MedGen C1846979, MONDO:0011756, OMIM 606996.

Allele frequency attached by ClinVar (database versions not stated): gnomAD 0.00006 and 0.00141; TOPMed 0.00023; gnomAD exomes 0.00262 and 0.00527; 1000 Genomes Project 30x 0.00859; 1000 Genomes Project 0.00958; ExAC 0.01111.
gnomAD v4.1: 3,997 of 1,601,166 alleles (0.25%); highest among the groups gnomAD compares: South Asian, 4.3%; 124 homozygotes.

Submissions (7):

Labcorp Genetics (formerly Invitae), Labcorp
Classification: Benign for Nephronophthisis. Last evaluated: 2026-02-01. Review status: criteria provided, single submitter. Criteria: Invitae Variant Classification Sherloc (09022015). Collection method: clinical testing. Allele origin: germline.

Illumina Laboratory Services, Illumina
Classification: Benign for Nephronophthisis 4. Last evaluated: 2018-01-12. Review status: criteria provided, single submitter. Criteria: ICSL Variant Classification Criteria 13 December 2019. Collection method: clinical testing. Allele origin: germline.
Comment: This variant was observed in the ICSL laboratory as part of a predisposition screen in an ostensibly healthy population. It had not been previously curated by ICSL or reported in the Human Gene Mutation Database (HGMD: prior to June 1st, 2018), and was therefore a candidate for classification through an automated scoring system. Utilizing variant allele frequency, disease prevalence and penetrance estimates, and inheritance mode, an automated score was calculated to assess if this variant is too frequent to cause the disease. Based on the score and internal cut-off values, a variant classified as benign is not then subjected to further curation. The score for this variant resulted in a classification of benign for this disease.

Illumina Laboratory Services, Illumina
Classification: Benign for Senior-Loken syndrome 4. Last evaluated: 2018-01-12. Review status: criteria provided, single submitter. Criteria: ICSL Variant Classification Criteria 13 December 2019. Collection method: clinical testing. Allele origin: germline.
Comment: the same text as in the submission from Illumina Laboratory Services, Illumina above.

Breakthrough Genomics
Classification: Benign. Review status: criteria provided, single submitter. Criteria: ACMG Guidelines, 2015. Collection method: not provided. Allele origin: germline. Inheritance: Autosomal recessive inheritance. Affected: yes.

Clinical Genetics, Academic Medical Center
Classification: Benign. Review status: no assertion criteria provided. Collection method: clinical testing. Allele origin: germline. Affected: yes. Study: VKGL Data-share Consensus. Not counted in ClinVar's aggregate classification.

Dr. Peter K. Rogan Lab, Western University
No classification provided (evidence only). Condition: Thyroid cancer, nonmedullary, 1. Review status: no classification provided. Collection method: in vitro. Allele origin: not applicable. Functional consequence: retained intron. Not counted in ClinVar's aggregate classification.

Genome Diagnostics Laboratory, University Medical Center Utrecht
Classification: Benign. Review status: no assertion criteria provided. Collection method: clinical testing. Allele origin: germline. Affected: yes. Study: VKGL Data-share Consensus. Not counted in ClinVar's aggregate classification.

NM_015102.5(NPHP4):c.1490C>G (p.Pro497Arg)

Gene: NPHP4 (nephrocystin 4; minus strand). Cytogenetic location: 1p36.31.
Variant type: single nucleotide variant.
Coding change: c.1490C>G on transcript NM_015102.5 (MANE Select); coding-DNA position 1490, C replaced by G.
Protein change: p.Pro497Arg; replaces proline 497 with arginine.
Molecular consequence: missense variant. On other transcripts: non-coding transcript variant (1), intron variant (2).
Genome position (GRCh38, 1-based): chr1:5,909,165, G>C on the plus strand (C>G on the coding strand, the complement: NPHP4 is on the minus strand). VCF-style: chr1-5909165-G-C. GRCh37 (hg19) VCF-style: chr1-5969225-G-C.
Other names: c.76-3382C>G (NM_001291594.2); c.76-3385C>G (NM_001291593.2); short protein forms P497R.
Identifiers: ClinVar variation 215518 (VCV000215518.19), dbSNP rs375051705, ClinGen allele CA338555.